The following is an entry in ClinVar:

NM_006389.5(HYOU1):c.92-7C>A

Gene: HYOU1 (hypoxia up-regulated 1; minus strand). Cytogenetic location: 11q23.3.
Variant type: single nucleotide variant.
Coding change: c.92-7C>A on transcript NM_006389.5 (MANE Select); 7 bases into the intron before coding-DNA position 92, C replaced by A.
Molecular consequence: intron variant.
Genome position (GRCh38, 1-based): chr11:119,055,850, G>T on the plus strand (C>A on the coding strand, the complement: HYOU1 is on the minus strand). VCF-style: chr11-119055850-G-T. GRCh37 (hg19) VCF-style: chr11-118926562-G-T.
Other names: c.92-7C>A (NM_001130991.3, NM_001411041.1).
Identifiers: ClinVar variation 2020932 (VCV002020932.4), dbSNP rs781973184, ClinGen allele CA2575005128.

ClinVar aggregate classification (germline): Uncertain significance (1 of 4 stars; one submission).

Submission:

Labcorp Genetics (formerly Invitae), Labcorp
Classification: Uncertain significance. Last evaluated: 2022-08-01. Review status: criteria provided, single submitter. Criteria: Invitae Variant Classification Sherloc (09022015). Collection method: clinical testing. Allele origin: germline.
Comment: In summary, the available evidence is currently insufficient to determine the role of this variant in disease. Therefore, it has been classified as a Variant of Uncertain Significance. This variant has not been reported in the literature in individuals affected with HYOU1-related conditions. This variant is not present in population databases (gnomAD no frequency). This sequence change falls in intron 2 of the HYOU1 gene. It does not directly change the encoded amino acid sequence of the HYOU1 protein.